The following is an entry in ClinVar:

NM_001277115.2(DNAH11):c.7226C>T (p.Ala2409Val)

Gene: DNAH11 (dynein axonemal heavy chain 11; plus strand). Cytogenetic location: 7p15.3.
Variant type: single nucleotide variant.
Coding change: c.7226C>T on transcript NM_001277115.2 (MANE Select); coding-DNA position 7226, C replaced by T.
Protein change: p.Ala2409Val; replaces alanine 2409 with valine.
Molecular consequence: missense variant.
Genome position (GRCh38, 1-based): chr7:21,720,816, C>T. VCF-style: chr7-21720816-C-T. GRCh37 (hg19) VCF-style: chr7-21760434-C-T.
Other names: c.7226C>T (NM_001277115.1); short protein forms A2409V.
Identifiers: ClinVar variation 1438590 (VCV001438590.10), dbSNP rs769281862, ClinGen allele CA4181148.

ClinVar aggregate classification (germline): Conflicting classifications of pathogenicity. Review status: criteria provided, conflicting classifications (1 of 4 stars). 3 submissions from 3 submitters: Uncertain significance (2); Benign (1). Last evaluated 2026-01-14.

Conditions:
Primary ciliary dyskinesia. Also called: Ciliary dyskinesia. Identifiers: Orphanet 244, MedGen C0008780, MONDO:0016575, HP:0012265.

Allele frequency attached by ClinVar (database versions not stated): TOPMed 0.00001; gnomAD 0.00003 and 0.00004; gnomAD exomes 0.00004 and 0.00011; ExAC 0.00007.
gnomAD v4.1: 165 of 1,612,660 alleles (0.01%); highest among the groups gnomAD compares: Non-Finnish European, 0.014%; no homozygotes.

Submissions (3):

Labcorp Genetics (formerly Invitae), Labcorp
Classification: Benign for Primary ciliary dyskinesia. Last evaluated: 2026-01-14. Review status: criteria provided, single submitter. Criteria: Invitae Variant Classification Sherloc (09022015). Collection method: clinical testing. Allele origin: germline.

Ambry Genetics
Classification: Uncertain significance for Primary ciliary dyskinesia. Last evaluated: 2025-04-23. Review status: criteria provided, single submitter. Criteria: Ambry Variant Classification Scheme 2023. Collection method: clinical testing. Allele origin: germline.
Comment: The p.A2409V variant (also known as c.7226C>T), located in coding exon 44 of the DNAH11 gene, results from a C to T substitution at nucleotide position 7226. The alanine at codon 2409 is replaced by valine, an amino acid with similar properties. This amino acid position is conserved. In addition, the in silico prediction for this alteration is inconclusive. Based on the available evidence, the clinical significance of this variant remains unclear.

GeneDx
Classification: Uncertain significance. Last evaluated: 2025-03-21. Review status: criteria provided, single submitter. Criteria: GeneDx Variant Classification Process June 2021. Collection method: clinical testing. Allele origin: germline. Affected: yes.
Comment: In silico analysis supports that this missense variant has a deleterious effect on protein structure/function; Has not been previously published as pathogenic or benign to our knowledge